The following is an entry in ClinVar:

ClinVar aggregate classification (germline): Conflicting classifications of pathogenicity. Review status: criteria provided, conflicting classifications (1 of 4 stars). 3 submissions from 3 submitters: Uncertain significance (2); Likely benign (1). Last evaluated 2025-12-29.

Conditions:
Progressive familial heart block type IB (PFHB1B). Identifiers: Orphanet 871, MedGen C1970298, MONDO:0011474, OMIM 604559.
Cardiovascular phenotype. Identifiers: MedGen CN230736.

Allele frequency attached by ClinVar (database versions not stated): gnomAD 0.00001; ExAC 0.00002; gnomAD exomes 0.00002; TOPMed 0.00002; ESP Exome Variant Server 0.00008.
gnomAD v4.1: 16 of 1,613,838 alleles (0.00099%); highest among the groups gnomAD compares: Middle Eastern, 0.016%; no homozygotes.

Submissions (3):

Labcorp Genetics (formerly Invitae), Labcorp
Classification: Uncertain significance for Progressive familial heart block type IB. Last evaluated: 2025-12-29. Review status: criteria provided, single submitter. Criteria: Invitae Variant Classification Sherloc (09022015). Collection method: clinical testing. Allele origin: germline.
Comment: This sequence change replaces arginine, which is basic and polar, with glutamine, which is neutral and polar, at codon 357 of the TRPM4 protein (p.Arg357Gln). This variant is present in population databases (rs144328631, gnomAD 0.01%). This variant has not been reported in the literature in individuals affected with TRPM4-related conditions. ClinVar contains an entry for this variant (Variation ID: 1482124). An algorithm developed to predict the effect of missense changes on protein structure and function (PolyPhen-2) suggests that this variant is likely to be tolerated. In summary, the available evidence is currently insufficient to determine the role of this variant in disease. Therefore, it has been classified as a Variant of Uncertain Significance.

Ambry Genetics
Classification: Likely benign for Cardiovascular phenotype. Last evaluated: 2024-07-25. Review status: criteria provided, single submitter. Criteria: Ambry Variant Classification Scheme 2023. Collection method: clinical testing. Allele origin: germline.

GeneDx
Classification: Uncertain significance. Last evaluated: 2022-11-08. Review status: criteria provided, single submitter. Criteria: GeneDx Variant Classification Process June 2021. Collection method: clinical testing. Allele origin: germline. Affected: yes.
Comment: In silico analysis supports that this missense variant does not alter protein structure/function; Has not been previously published as pathogenic or benign to our knowledge

NM_017636.4(TRPM4):c.1070G>A (p.Arg357Gln)

Gene: TRPM4 (transient receptor potential cation channel subfamily M member 4; plus strand). Cytogenetic location: 19q13.33.
Variant type: single nucleotide variant.
Coding change: c.1070G>A on transcript NM_017636.4 (MANE Select); coding-DNA position 1070, G replaced by A.
Protein change: p.Arg357Gln; replaces arginine 357 with glutamine.
Molecular consequence: missense variant. On other transcripts: 5 prime UTR variant (1), intron variant (1).
Genome position (GRCh38, 1-based): chr19:49,172,028, G>A. VCF-style: chr19-49172028-G-A. GRCh37 (hg19) VCF-style: chr19-49675285-G-A.
Other names: c.1070G>A, p.Arg357Gln (NM_001195227.2); c.725G>A, p.Arg242Gln (NM_001321281.2); c.-484G>A (NM_001321282.2); c.548G>A, p.Arg183Gln (NM_001321283.2); c.201+259G>A (NM_001321285.2); c.1070G>A (NM_017636.3); short protein forms R242Q, R183Q, R357Q.
Identifiers: ClinVar variation 1482124 (VCV001482124.11), dbSNP rs144328631, ClinGen allele CA9569072.